The following is an entry in ClinVar:

ClinVar aggregate classification (germline): Uncertain significance. Review status: criteria provided, multiple submitters, no conflicts (2 of 4 stars). 3 submissions from 3 submitters: Uncertain significance (3). Last evaluated 2024-11-25.

Conditions:
Inborn genetic diseases. Identifiers: MedGen C0950123, MeSH D030342.

Allele frequency attached by ClinVar (database versions not stated): gnomAD 0.00001; TOPMed 0.00001.
gnomAD v4.1: 1 of 1,613,960 alleles (0.000062%); no homozygotes.

Submissions (3):

Ambry Genetics
Classification: Uncertain significance for Inborn genetic diseases. Last evaluated: 2024-11-25. Review status: criteria provided, single submitter. Criteria: Ambry Variant Classification Scheme 2023. Collection method: clinical testing. Allele origin: germline.

GeneDx
Classification: Uncertain significance. Last evaluated: 2024-02-12. Review status: criteria provided, single submitter. Criteria: GeneDx Variant Classification Process June 2021. Collection method: clinical testing. Allele origin: germline. Affected: yes.
Comment: Has not been previously published as pathogenic or benign to our knowledge; Not observed at significant frequency in large population cohorts (gnomAD); In silico analysis supports that this missense variant has a deleterious effect on protein structure/function; Not located in the triple helical region, where the majority of pathogenic missense variants occur (HGMD)

Labcorp Genetics (formerly Invitae), Labcorp
Classification: Uncertain significance. Last evaluated: 2022-07-25. Review status: criteria provided, single submitter. Criteria: Invitae Variant Classification Sherloc (09022015). Collection method: clinical testing. Allele origin: germline.
Comment: In summary, the available evidence is currently insufficient to determine the role of this variant in disease. Therefore, it has been classified as a Variant of Uncertain Significance. Advanced modeling of protein sequence and biophysical properties (such as structural, functional, and spatial information, amino acid conservation, physicochemical variation, residue mobility, and thermodynamic stability) performed at Invitae indicates that this missense variant is not expected to disrupt COL2A1 protein function. ClinVar contains an entry for this variant (Variation ID: 856646). This variant has not been reported in the literature in individuals affected with COL2A1-related conditions. This variant is not present in population databases (gnomAD no frequency). This sequence change replaces glycine, which is neutral and non-polar, with alanine, which is neutral and non-polar, at codon 1425 of the COL2A1 protein (p.Gly1425Ala).

NM_001844.5(COL2A1):c.4274G>C (p.Gly1425Ala)

Gene: COL2A1 (collagen type II alpha 1 chain; minus strand). Cytogenetic location: 12q13.11.
Variant type: single nucleotide variant.
Coding change: c.4274G>C on transcript NM_001844.5 (MANE Select); coding-DNA position 4274, G replaced by C.
Protein change: p.Gly1425Ala; replaces glycine 1425 with alanine.
Molecular consequence: missense variant.
Genome position (GRCh38, 1-based): chr12:47,974,132, C>G on the plus strand (G>C on the coding strand, the complement: COL2A1 is on the minus strand). VCF-style: chr12-47974132-C-G. GRCh37 (hg19) VCF-style: chr12-48367915-C-G.
Other names: c.4067G>C, p.Gly1356Ala (NM_033150.3); short protein forms G1425A, G1356A.
Identifiers: ClinVar variation 856646 (VCV000856646.13), dbSNP rs989110731, ClinGen allele CA236515971.